The following is an entry in ClinVar:

NM_014413.4(EIF2AK1):c.481T>G (p.Ser161Ala)

Gene: EIF2AK1 (eukaryotic translation initiation factor 2 alpha kinase 1; minus strand). Cytogenetic location: 7p22.1.
Variant type: single nucleotide variant.
Coding change: c.481T>G on transcript NM_014413.4 (MANE Select); coding-DNA position 481, T replaced by G.
Protein change: p.Ser161Ala; replaces serine 161 with alanine.
Molecular consequence: missense variant.
Genome position (GRCh38, 1-based): chr7:6,047,060, A>C on the plus strand (T>G on the coding strand, the complement: EIF2AK1 is on the minus strand). VCF-style: chr7-6047060-A-C. GRCh37 (hg19) VCF-style: chr7-6086691-A-C.
Other names: c.481T>G, p.Ser161Ala (NM_001134335.2); short protein forms S161A.
Identifiers: ClinVar variation 4885033 (VCV004885033.2).

ClinVar aggregate classification (germline): Uncertain significance (1 of 4 stars; one submission).

Submission:

Dasa
Classification: Uncertain significance. Last evaluated: 2026-04-08. Review status: criteria provided, single submitter. Criteria: DASA Assertion Criteria. Collection method: clinical testing. Allele origin: germline.
Comment: NM_014413.4(EIF2AK1):c.481T>G (p.Ser161Ala) is a missense variant that results in the substitution of serine with alanine. This variant is rare in population databases. The currently available literature and clinical evidence are not sufficient to establish a definitive association between this variant and the reported condition. Therefore, this variant is classified as a variant of uncertain significance.